The following is an entry in ClinVar:

ClinVar aggregate classification (germline): Uncertain significance (1 of 4 stars; one submission).

Conditions:
Baraitser-Winter syndrome 1 (BRWS1). Also called: MENTAL RETARDATION WITH EPILEPSY AND CHARACTERISTIC FACIES; PACHYGYRIA, MENTAL RETARDATION, EPILEPSY, AND CHARACTERISTIC FACIES; Cerebrofrontofacial syndrome; BARAITSER-WINTER SYNDROME 1, ATYPICAL. Identifiers: Orphanet 2649, Orphanet 2995, MedGen C1855722, MONDO:0009470, OMIM 243310.

Submission:

Labcorp Genetics (formerly Invitae), Labcorp
Classification: Uncertain significance for Baraitser-Winter syndrome 1. Last evaluated: 2024-01-11. Review status: criteria provided, single submitter. Criteria: Invitae Variant Classification Sherloc (09022015). Collection method: clinical testing. Allele origin: germline.
Comment: A copy number gain of the genomic region encompassing the full coding sequence of the ACTB gene has been identified. The boundaries of this event are unknown as they extend beyond the assayed region for this gene and therefore may encompass additional genes. As the precise location of this event is unknown, it may be in tandem or it may be located elsewhere in the genome. Isolated whole-gene copy number gains of ACTB have not been reported in the literature. However, larger copy number events that include this gene have been reported (PMID: 22495914, 26297194, 27866048). In summary, the available evidence is currently insufficient to determine the role of this variant in disease. Therefore, it has been classified as a Variant of Uncertain Significance.

Literature cited by the submitters: PubMed 22495914; PubMed 26297194; PubMed 27866048.

NC_000007.13:g.(?_5567379)_(5569288_?)dup

Gene: ACTB (actin beta; minus strand). Cytogenetic location: 7p22.1.
Variant type: Duplication.
Identifiers: ClinVar variation 1471540 (VCV001471540.2).